The following is an entry in ClinVar:

ClinVar aggregate classification (germline): Uncertain significance (1 of 4 stars; one submission).

Conditions:
Epilepsy, familial focal, with variable foci 3 (FFEVF3). Identifiers: MedGen C4310708, MONDO:0014925, OMIM 617118.

Allele frequency attached by ClinVar (database versions not stated): gnomAD 0.00001 and 0.00003; TOPMed 0.00001; gnomAD exomes 0.00002 and 0.00003; ExAC 0.00004; ESP Exome Variant Server 0.00008; 1000 Genomes Project 30x 0.00016; 1000 Genomes Project 0.00020.
gnomAD v4.1: 39 of 1,613,356 alleles (0.0024%); highest among the groups gnomAD compares: Middle Eastern, 0.017%; no homozygotes.

Submission:

Labcorp Genetics (formerly Invitae), Labcorp
Classification: Uncertain significance for Epilepsy, familial focal, with variable foci 3. Last evaluated: 2023-12-23. Review status: criteria provided, single submitter. Criteria: Invitae Variant Classification Sherloc (09022015). Collection method: clinical testing. Allele origin: germline.
Comment: This sequence change replaces alanine, which is neutral and non-polar, with threonine, which is neutral and polar, at codon 503 of the NPRL3 protein (p.Ala503Thr). This variant is present in population databases (rs372717858, gnomAD 0.01%). This variant has not been reported in the literature in individuals affected with NPRL3-related conditions. ClinVar contains an entry for this variant (Variation ID: 1413638). Advanced modeling of protein sequence and biophysical properties (such as structural, functional, and spatial information, amino acid conservation, physicochemical variation, residue mobility, and thermodynamic stability) has been performed at Invitae for this missense variant, however the output from this modeling did not meet the statistical confidence thresholds required to predict the impact of this variant on NPRL3 protein function. In summary, the available evidence is currently insufficient to determine the role of this variant in disease. Therefore, it has been classified as a Variant of Uncertain Significance.

NM_001077350.3(NPRL3):c.1507G>A (p.Ala503Thr)

Genes: HBA-LCR (alpha-globin locus control region; plus strand), NPRL3 (NPR3 like, GATOR1 complex subunit; minus strand). Cytogenetic location: 16p13.3.
Variant type: single nucleotide variant.
Coding change: c.1507G>A on transcript NM_001077350.3 (MANE Select); coding-DNA position 1507, G replaced by A.
Protein change: p.Ala503Thr; replaces alanine 503 with threonine.
Molecular consequence: missense variant.
Genome position (GRCh38, 1-based): chr16:88,735, C>T on the plus strand (G>A on the coding strand, the complement: NPRL3 is on the minus strand). VCF-style: chr16-88735-C-T. GRCh37 (hg19) VCF-style: chr16-138734-C-T.
Other names: c.970G>A, p.Ala324Thr (NM_001039476.3); c.1273G>A, p.Ala425Thr (NM_001243247.2); c.1432G>A, p.Ala478Thr (NM_001243248.2, NM_001243249.2); short protein forms A425T, A503T, A324T, A478T.
Identifiers: ClinVar variation 1413638 (VCV001413638.6), dbSNP rs372717858, ClinGen allele CA7769305.